The following is an entry in ClinVar:

NM_001083619.3(GRIA2):c.2217C>T (p.Cys739=)

Gene: GRIA2 (glutamate ionotropic receptor AMPA type subunit 2; plus strand). Cytogenetic location: 4q32.1.
Variant type: single nucleotide variant.
Coding change: c.2217C>T on transcript NM_001083619.3 (MANE Select); coding-DNA position 2217, C replaced by T.
Protein change: p.Cys739=; no amino-acid change (cysteine 739 retained).
Molecular consequence: synonymous variant.
Genome position (GRCh38, 1-based): chr4:157,360,069, C>T. VCF-style: chr4-157360069-C-T. GRCh37 (hg19) VCF-style: chr4-158281221-C-T.
Other names: c.2217C>T, p.Cys739= (NM_000826.6); c.2076C>T, p.Cys692= (NM_001083620.3, NM_001379000.3, NM_001379001.3).
Identifiers: ClinVar variation 4872835 (VCV004872835.2).

ClinVar aggregate classification (germline): Likely benign (1 of 4 stars; one submission).

gnomAD v4.1: 125 of 1,613,686 alleles (0.0077%); highest among the groups gnomAD compares: South Asian, 0.035%; no homozygotes.

Submission:

CeGaT Center for Human Genetics Tuebingen
Classification: Likely benign. Last evaluated: 2026-05-01. Review status: criteria provided, single submitter. Criteria: CeGaT Center For Human Genetics Tuebingen Variant Classification Criteria Version 2. Collection method: clinical testing. Allele origin: germline. Affected: yes. Observed: 1 variant allele.
Comment: GRIA2: BP4, BP7